The following is an entry in ClinVar:

ClinVar aggregate classification (germline): Pathogenic (1 of 4 stars; one submission).

Submission:

GeneDx
Classification: Pathogenic. Last evaluated: 2017-04-27. Review status: criteria provided, single submitter. Criteria: GeneDx Variant Classification (06012015). Collection method: clinical testing. Allele origin: germline. Affected: yes.
Comment: Although the c.466_469delAATG pathogenic variant in the FBN1 gene has not been reported to our knowledge, thisvariant causes a shift in reading frame starting at codon asparagine 156, changing it to a glutamic acid, and creating apremature stop codon at position 33 of the new reading frame, denoted p.Asn156GlufsX33. This pathogenic variant isexpected to result in either an abnormal, truncated protein product or loss of protein from this allele through nonsensemediatedmRNA decay. Many other downstream frameshift variants in the FBN1 gene have been reported in theHuman Gene Mutation Database in association with Marfan syndrome (Stenson et al., 2014), indicating that loss offunction is a mechanism of disease for this gene. Furthermore, the c.466_469delAATG variant has not been observedin large population cohorts (Lek et al., 2016; 1000 Genomes Consortium et al., 2015; Exome Variant Server).

NM_000138.5(FBN1):c.466_469del (p.Asn156fs)

Gene: FBN1 (fibrillin 1; minus strand). Cytogenetic location: 15q21.1.
Variant type: Deletion.
Coding change: c.466_469del on transcript NM_000138.5 (MANE Select); coding-DNA positions 466 to 469, 4 bases deleted (AATG; older notation c.466_469delAATG).
Protein change: p.Asn156fs; shifts the reading frame from asparagine 156.
Molecular consequence: frameshift variant.
Genome position (GRCh38, 1-based): chr15:48,596,352-48,596,355, CATT deleted on the plus strand (AATG on the coding strand, the reverse complement: FBN1 is on the minus strand). VCF-style (leftmost placement, unchanged base first): chr15-48596351-CCATT-C. GRCh37 (hg19) VCF-style: chr15-48888548-CCATT-C.
Other names: c.466_469delAATG (NM_000138.4); short protein forms N156fs.
Identifiers: ClinVar variation 426193 (VCV000426193.2), dbSNP rs1085307490, ClinGen allele CA645293894.